The following is an entry in ClinVar:

ClinVar aggregate classification (germline): Uncertain significance (1 of 4 stars; one submission).

gnomAD v4.1: 7 of 1,614,016 alleles (0.00043%); highest among the groups gnomAD compares: South Asian, 0.0055%; no homozygotes.

Submission:

Labcorp Genetics (formerly Invitae), Labcorp
Classification: Uncertain significance. Last evaluated: 2025-01-19. Review status: criteria provided, single submitter. Criteria: Invitae Variant Classification Sherloc (09022015). Collection method: clinical testing. Allele origin: germline.
Comment: This sequence change replaces tyrosine, which is neutral and polar, with histidine, which is basic and polar, at codon 579 of the ANO6 protein (p.Tyr579His). This variant is present in population databases (rs749990152, gnomAD 0.003%). This variant has not been reported in the literature in individuals affected with ANO6-related conditions. Invitae Evidence Modeling of protein sequence and biophysical properties (such as structural, functional, and spatial information, amino acid conservation, physicochemical variation, residue mobility, and thermodynamic stability) indicates that this missense variant is not expected to disrupt ANO6 protein function with a negative predictive value of 95%. In summary, the available evidence is currently insufficient to determine the role of this variant in disease. Therefore, it has been classified as a Variant of Uncertain Significance.

NM_001025356.3(ANO6):c.1735T>C (p.Tyr579His)

Gene: ANO6 (anoctamin 6; plus strand). Cytogenetic location: 12q12.
Variant type: single nucleotide variant.
Coding change: c.1735T>C on transcript NM_001025356.3 (MANE Select); coding-DNA position 1735, T replaced by C.
Protein change: p.Tyr579His; replaces tyrosine 579 with histidine.
Molecular consequence: missense variant.
Genome position (GRCh38, 1-based): chr12:45,403,194, T>C. VCF-style: chr12-45403194-T-C. GRCh37 (hg19) VCF-style: chr12-45796977-T-C.
Other names: c.1681T>C, p.Tyr561His (NM_001142678.2); c.1735T>C, p.Tyr579His (NM_001142679.2); c.1798T>C, p.Tyr600His (NM_001204803.2); c.1702T>C, p.Tyr568His (NM_001410973.1); short protein forms Y561H, Y568H, Y579H, Y600H.
Identifiers: ClinVar variation 3613473 (VCV003613473.2).